The following is an entry in ClinVar:

ClinVar aggregate classification (germline): Uncertain significance (1 of 4 stars; one submission).

Conditions:
Neurofibromatosis, type 1 (NF1). Also called: Peripheral type neurofibromatosis; VON RECKLINGHAUSEN DISEASE; NEUROFIBROMATOSIS, TYPE I, SOMATIC; Neurofibromatosis, type I. Identifiers: Orphanet 636, MedGen C0027831, MONDO:0018975, OMIM 162200. Disease mechanism: loss of function.

Submission:

Labcorp Genetics (formerly Invitae), Labcorp
Classification: Uncertain significance for Neurofibromatosis, type 1. Last evaluated: 2024-07-06. Review status: criteria provided, single submitter. Criteria: Invitae Variant Classification Sherloc (09022015). Collection method: clinical testing. Allele origin: germline.
Comment: This sequence change affects codon 1723 of the NF1 mRNA. It is a 'silent' change, meaning that it does not change the encoded amino acid sequence of the NF1 protein. This variant is not present in population databases (gnomAD no frequency). This variant has not been reported in the literature in individuals affected with NF1-related conditions. Algorithms developed to predict the effect of sequence changes on RNA splicing suggest that this variant may create or strengthen a splice site. In summary, the available evidence is currently insufficient to determine the role of this variant in disease. Therefore, it has been classified as a Variant of Uncertain Significance.

NM_001042492.3(NF1):c.5232C>T (p.Leu1744=)

Gene: NF1 (neurofibromin 1; plus strand). Cytogenetic location: 17q11.2.
Variant type: single nucleotide variant.
Coding change: c.5232C>T on transcript NM_001042492.3 (MANE Select); coding-DNA position 5232, C replaced by T.
Protein change: p.Leu1744=; no amino-acid change (leucine 1744 retained).
Molecular consequence: synonymous variant.
Genome position (GRCh38, 1-based): chr17:31,326,216, C>T. VCF-style: chr17-31326216-C-T. GRCh37 (hg19) VCF-style: chr17-29653234-C-T.
Other names: c.5169C>T, p.Leu1723= (NM_000267.4).
Identifiers: ClinVar variation 3658286 (VCV003658286.2).